The following is an entry in ClinVar:

ClinVar aggregate classification (germline): Uncertain significance. Review status: criteria provided, multiple submitters, no conflicts (2 of 4 stars). 2 submissions from 2 submitters: Uncertain significance (2). Last evaluated 2026-04-03.

Conditions:
Joubert syndrome. Also called: JOUBERT-BOLTSHAUSER SYNDROME; Familial aplasia of the vermis. Identifiers: Orphanet 475, MedGen C5979921, MONDO:0018772.

Allele frequency attached by ClinVar (database versions not stated): gnomAD exomes below 0.00001; TOPMed below 0.00001.

Submissions (2):

GeneDx
Classification: Uncertain significance. Last evaluated: 2026-04-03. Review status: criteria provided, single submitter. Criteria: GeneDx Variant Classification Process June 2021. Collection method: clinical testing. Allele origin: germline.
Comment: Not observed at significant frequency in large population cohorts (gnomAD); In silico analysis supports that this missense variant has a deleterious effect on protein structure/function; Has not been previously published as pathogenic or benign to our knowledge; This variant is associated with the following publications: (PMID: 23386033)

Labcorp Genetics (formerly Invitae), Labcorp
Classification: Uncertain significance for Joubert syndrome. Last evaluated: 2024-10-29. Review status: criteria provided, single submitter. Criteria: Invitae Variant Classification Sherloc (09022015). Collection method: clinical testing. Allele origin: germline.
Comment: This sequence change replaces aspartic acid, which is acidic and polar, with asparagine, which is neutral and polar, at codon 508 of the INPP5E protein (p.Asp508Asn). The frequency data for this variant in the population databases is considered unreliable, as metrics indicate poor data quality at this position in the gnomAD database. This variant has not been reported in the literature in individuals affected with INPP5E-related conditions. ClinVar contains an entry for this variant (Variation ID: 1476785). Invitae Evidence Modeling of protein sequence and biophysical properties (such as structural, functional, and spatial information, amino acid conservation, physicochemical variation, residue mobility, and thermodynamic stability) indicates that this missense variant is expected to disrupt INPP5E protein function with a positive predictive value of 95%. In summary, the available evidence is currently insufficient to determine the role of this variant in disease. Therefore, it has been classified as a Variant of Uncertain Significance.

NM_019892.6(INPP5E):c.1522G>A (p.Asp508Asn)

Gene: INPP5E (inositol polyphosphate-5-phosphatase E; minus strand). Cytogenetic location: 9q34.3.
Variant type: single nucleotide variant.
Coding change: c.1522G>A on transcript NM_019892.6 (MANE Select); coding-DNA position 1522, G replaced by A.
Protein change: p.Asp508Asn; replaces aspartic acid 508 with asparagine.
Molecular consequence: missense variant.
Genome position (GRCh38, 1-based): chr9:136,431,851, C>T on the plus strand (G>A on the coding strand, the complement: INPP5E is on the minus strand). VCF-style: chr9-136431851-C-T. GRCh37 (hg19) VCF-style: chr9-139326303-C-T.
Other names: c.1519G>A, p.Asp507Asn (NM_001318502.2); c.1522G>A (NM_019892.4); short protein forms D508N, D507N.
Identifiers: ClinVar variation 1476785 (VCV001476785.7), dbSNP rs1246194868, ClinGen allele CA375562140.